The following is an entry in ClinVar:

ClinVar aggregate classification (germline): Conflicting classifications of pathogenicity. Review status: criteria provided, conflicting classifications (1 of 4 stars). 10 submissions from 10 submitters: Uncertain significance (3); Likely benign (5). 2 of the submissions do not count toward it. Last evaluated 2026-02-01.

Conditions:
Retinitis pigmentosa 73 (RP73). Identifiers: Orphanet 791, MedGen C4225287, MONDO:0014687, OMIM 616544.
Mucopolysaccharidosis, MPS-III-C (MPS3C). Also called: MUCOPOLYSACCHARIDOSIS, TYPE IIIC; SANFILIPPO SYNDROME C; Mucopolysaccharidosis type IIIC (Sanfilippo C); MPS IIIC (Sanfilippo Syndrome Type C); mucopolysaccharidosis type 3C; MPS III C. Identifiers: Orphanet 581, Orphanet 79271, MedGen C0086649, MONDO:0009657, OMIM 252930.
Inborn genetic diseases. Identifiers: MedGen C0950123, MeSH D030342.
HGSNAT-related disorder. Also called: HGSNAT-related condition.
Retinal dystrophy. Also called: Inherited retinal dystrophy. Identifiers: Orphanet 71862, MedGen C0854723, MeSH D058499, MONDO:0019118, HP:0000556.
Intellectual disability. Also called: Intellectual functioning disability; Intellectual developmental disorder; intellectual disabilities. Identifiers: MedGen C3714756, MeSH D008607, MONDO:0001071, HP:0001249.

Allele frequency attached by ClinVar (database versions not stated): ExAC 0.00068; 1000 Genomes Project 0.00100; gnomAD exomes 0.00069 and 0.00045; TOPMed 0.00122; ESP Exome Variant Server 0.00062; gnomAD 0.00082; 1000 Genomes Project 30x 0.00109.
gnomAD v4.1: 791 of 1,565,298 alleles (0.051%); highest among the groups gnomAD compares: Middle Eastern, 0.38%; 1 homozygote.

Submissions (10):

Labcorp Genetics (formerly Invitae), Labcorp
Classification: Likely benign for Retinitis pigmentosa 73; Mucopolysaccharidosis, MPS-III-C. Last evaluated: 2026-02-01. Review status: criteria provided, single submitter. Criteria: Invitae Variant Classification Sherloc (09022015). Collection method: clinical testing. Allele origin: germline.

Mayo Clinic Laboratories, Mayo Clinic
Classification: Likely benign. Last evaluated: 2025-02-26. Review status: criteria provided, single submitter. Criteria: ACMG Guidelines, 2015. Collection method: clinical testing. Allele origin: germline. Observed: 1 variant allele.
Comment: BS1, BS3, PP3_moderate

Blueprint Genetics
Classification: Likely benign. Last evaluated: 2024-11-27. Review status: criteria provided, single submitter. Criteria: ACMG Guidelines, 2015. Collection method: clinical testing. Allele origin: germline.

GeneDx
Classification: Uncertain significance. Last evaluated: 2022-07-30. Review status: criteria provided, single submitter. Criteria: GeneDx Variant Classification Process June 2021. Collection method: clinical testing. Allele origin: germline. Affected: yes.
Comment: Reported homozygous in two unrelated patients with mucopolysaccharidosis IIIC, however both patients were also homozygous for a second HGSNAT variant (Ouesleti et al., 2011); Identified homozygous in a patient with tall stature and macroglossia, with normal enzyme studies and normal urine glycosaminoglycans, who was not thought to have MPSIIIC (Deden et al., 2018); In silico analysis supports that this missense variant has a deleterious effect on protein structure/function; This variant is associated with the following publications: (PMID: 22908982, 21910976, 29870682)

Women's Health and Genetics/Laboratory Corporation of America, LabCorp
Classification: Likely benign. Last evaluated: 2022-06-13. Review status: criteria provided, single submitter. Criteria: LabCorp Variant Classification Summary - May 2015. Collection method: clinical testing. Allele origin: germline.
Comment: Variant summary: HGSNAT c.1880A>G (p.Tyr627Cys) results in a non-conservative amino acid change in the encoded protein sequence. Five of five in-silico tools predict a damaging effect of the variant on protein function. The variant allele was found at a frequency of 0.00069 in 219148 control chromosomes (gnomAD), predominantly at a frequency of 0.0023 within the African or African-American subpopulation in the gnomAD database. The observed variant frequency within African or African-American control individuals in the gnomAD database is approximately 2 fold of the estimated maximal expected allele frequency for a pathogenic variant in HGSNAT causing Mucopolysaccharidosis Type IIIC (Sanfilippo Syndrome C, 0.001), strongly suggesting that the variant is a benign polymorphism found primarily in populations of African or African-American origin. c.1880A>G has been reported in the literature in three homozygous individuals affected with Mucopolysaccharidosis Type IIIC (Sanfilippo Syndrome C), however these three individuals were also homozygous for a truncting HGSNAT variant (c.1209G>A, p.Trp403Ter), providing supporting evidence for a benign role (Ouesleti_2011). The variant of interest was also identified in the homozygous state in an unaffected individual (Dedan_2018), providing additional evidence that the variant of interest is not the cause of MPSIIIC in patients reported by Ouesleti_2011. To our knowledge, no experimental evidence demonstrating an impact on protein function has been reported. Four ClinVar submitters have assessed the variant since 2014: three classified the variant as of uncertain significance and one as likely benign. Based on the evidence outlined above, the variant was classified as likely benign.

Ambry Genetics
Classification: Likely benign for Inborn genetic diseases. Last evaluated: 2022-03-04. Review status: criteria provided, single submitter. Criteria: Ambry Variant Classification Scheme 2023. Collection method: clinical testing. Allele origin: germline.

Institute of Human Genetics, Univ. Regensburg, Univ. Regensburg
Classification: Uncertain significance for Retinal dystrophy. Last evaluated: 2019-01-01. Review status: criteria provided, single submitter. Criteria: ACMG Guidelines, 2015. Collection method: clinical testing. Allele origin: germline. Affected: yes.

Illumina Laboratory Services, Illumina
Classification: Uncertain significance for Mucopolysaccharidosis, MPS-III-C. Last evaluated: 2018-01-12. Review status: criteria provided, single submitter. Criteria: ICSL Variant Classification Criteria 13 December 2019. Collection method: clinical testing. Allele origin: germline.

PreventionGenetics, part of Exact Sciences
Classification: Likely benign for HGSNAT-related condition. Last evaluated: 2024-09-13. Review status: no assertion criteria provided. Collection method: clinical testing. Allele origin: germline. Not counted in ClinVar's aggregate classification.
Comment: This variant is classified as likely benign based on ACMG/AMP sequence variant interpretation guidelines (Richards et al. 2015 PMID: 25741868, with internal and published modifications).

Centre de Biologie Pathologie Génétique, Centre Hospitalier Universitaire de Lille
Classification: Uncertain significance for Intellectual disability. Last evaluated: 2019-01-01. Review status: no assertion criteria provided. Collection method: clinical testing. Allele origin: unknown. Affected: yes. Not counted in ClinVar's aggregate classification.

Literature cited by the submitters: PubMed 21910976 (cited by 3 submitters); PubMed 22908982 (cited by Mayo Clinic Laboratories, Mayo Clinic and Institute of Human Genetics, Univ. Regensburg, Univ. Regensburg); PubMed 29870682 (cited by 3 submitters).

NM_152419.3(HGSNAT):c.1880A>G (p.Tyr627Cys)

Gene: HGSNAT (heparan-alpha-glucosaminide N-acetyltransferase; plus strand). Cytogenetic location: 8p11.21.
Variant type: single nucleotide variant.
Coding change: c.1880A>G on transcript NM_152419.3 (MANE Select); coding-DNA position 1880, A replaced by G.
Protein change: p.Tyr627Cys; replaces tyrosine 627 with cysteine.
Molecular consequence: missense variant.
Genome position (GRCh38, 1-based): chr8:43,199,541, A>G. VCF-style: chr8-43199541-A-G. GRCh37 (hg19) VCF-style: chr8-43054684-A-G.
Other names: p.Tyr627Cys; c.1967A>G, p.Tyr656Cys (NM_001363227.2); c.1688A>G, p.Tyr563Cys (NM_001363228.2); c.1016A>G, p.Tyr339Cys (NM_001363229.2); short protein forms Y627C, Y563C, Y339C, Y656C.
Identifiers: ClinVar variation 420117 (VCV000420117.23), dbSNP rs192857413, ClinGen allele CA4737042.
Genomic context (GRCh38, chr8:43,199,541, plus strand): 5'-AGCACCTGACTCAGAACATCGTCGCCACTGCCCTCTGGGTGCTCATTGCCTACATCCTCT[A>G]TAGAAAGAAGATTTTTTGGAAAATCTGATGGCTCCCACTGAGATGTGCTGCTGGAAGACT-3'
Protein context (NP_689632.2, residues 617-635): ALWVLIAYIL[Tyr627Cys]RKKIFWKI